The following is an entry in ClinVar:

NM_014363.6(SACS):c.5959del (p.Ser1987fs)

Gene: SACS (sacsin molecular chaperone; minus strand). Cytogenetic location: 13q12.12.
Variant type: Deletion.
Coding change: c.5959del on transcript NM_014363.6 (MANE Select); coding-DNA position 5959, one base deleted (T; older notation c.5959delT).
Protein change: p.Ser1987fs; shifts the reading frame from serine 1987.
Molecular consequence: frameshift variant.
Genome position (GRCh38, 1-based): chr13:23,337,917, A deleted on the plus strand (T on the coding strand, the reverse complement: SACS is on the minus strand); the first of 3 consecutive A bases (chr13:23,337,917-23,337,919); deleting any one gives the same sequence. VCF-style (leftmost placement, unchanged base first): chr13-23337916-GA-G. GRCh37 (hg19) VCF-style: chr13-23912055-GA-G.
Other names: c.5518del, p.Ser1840fs (NM_001278055.2); c.5986del, p.Ser1996fs (NM_001437336.1); short protein forms S1840fs, S1987fs, S1996fs.
Identifiers: ClinVar variation 4782305 (VCV004782305.1).

ClinVar aggregate classification (germline): Pathogenic (1 of 4 stars; one submission).

Conditions:
Spastic paraplegia. Identifiers: MedGen C0037772, HP:0001258.

Submission:

Labcorp Genetics (formerly Invitae), Labcorp
Classification: Pathogenic for Spastic paraplegia. Last evaluated: 2025-12-27. Review status: criteria provided, single submitter. Criteria: Invitae Variant Classification Sherloc (09022015). Collection method: clinical testing. Allele origin: germline.
Comment: This sequence change creates a premature translational stop signal (p.Ser1987Profs*2) in the SACS gene. While this is not anticipated to result in nonsense mediated decay, it is expected to disrupt the last 2593 amino acid(s) of the SACS protein. This variant is not present in population databases (gnomAD no frequency). This variant has not been reported in the literature in individuals affected with SACS-related conditions. This variant disrupts a region of the SACS protein in which other variant(s) (p.Asn4549Asp) have been determined to be pathogenic (PMID: 15156359, 21507954). This suggests that this is a clinically significant region of the protein, and that variants that disrupt it are likely to be disease-causing. For these reasons, this variant has been classified as Pathogenic.

Literature cited by the submitters: PubMed 15156359; PubMed 21507954.